The following is an entry in ClinVar:

NM_001330588.2(TPP2):c.2873+36G>T

Gene: TPP2 (tripeptidyl peptidase 2; plus strand). Cytogenetic location: 13q33.1.
Variant type: single nucleotide variant.
Coding change: c.2873+36G>T on transcript NM_001330588.2 (MANE Select); 36 bases into the intron after coding-DNA position 2873, G replaced by T.
Molecular consequence: intron variant.
Genome position (GRCh38, 1-based): chr13:102,649,187, G>T. VCF-style: chr13-102649187-G-T. GRCh37 (hg19) VCF-style: chr13-103301537-G-T.
Other names: NC_000013.10:g.103301537G>T; c.2873+36G>T (NM_001367947.1, NM_003291.4).
Identifiers: ClinVar variation 2628217 (VCV002628217.3), dbSNP rs664660, ClinGen allele CA7038095.

ClinVar aggregate classification (germline): Benign (1 of 4 stars; one submission).

Allele frequency attached by ClinVar (database versions not stated): TOPMed 0.87810; ESP Exome Variant Server 0.90028; ExAC 0.85202; 1000 Genomes Project 30x 0.85868; 1000 Genomes Project 0.85583; gnomAD 0.88569.
gnomAD v4.1: 1,353,436 of 1,564,638 alleles (87%); highest among the groups gnomAD compares: African/African-American, 96%; 587,053 homozygotes.

Submissions (2):

Unidad de Genómica Garrahan, Hospital de Pediatría Garrahan
Classification: Benign. Last evaluated: 2023-11-12. Review status: criteria provided, single submitter. Criteria: ACMG Guidelines, 2015. Collection method: clinical testing. Allele origin: germline. Affected: no. Observed: 89 variant alleles.
Comment: This variant is classified as Benign based on local population frequency. This variant was detected in 93% of patients studied by a panel of primary immunodeficiencies. Number of patients: 89. Only high quality variants are reported.

Dr. Peter K. Rogan Lab, Western University
No classification provided (evidence only). Condition: Hepatocellular carcinoma. Review status: no classification provided. Collection method: in vitro. Allele origin: not applicable. Functional consequence: skipped exon. Not counted in ClinVar's aggregate classification.